The following is an entry in ClinVar:

NM_017636.4(TRPM4):c.449-14C>T

Gene: TRPM4 (transient receptor potential cation channel subfamily M member 4; plus strand). Cytogenetic location: 19q13.33.
Variant type: single nucleotide variant.
Coding change: c.449-14C>T on transcript NM_017636.4 (MANE Select); 14 bases into the intron before coding-DNA position 449, C replaced by T.
Molecular consequence: intron variant.
Genome position (GRCh38, 1-based): chr19:49,168,246, C>T. VCF-style: chr19-49168246-C-T. GRCh37 (hg19) VCF-style: chr19-49671503-C-T.
Other names: c.449-14C>T (NM_001195227.2); c.-1105-14C>T (NM_001321282.2); c.268-307C>T (NM_001321281.2); c.-74-14C>T (NM_001321283.2); c.-237-307C>T (NM_001321285.2).
Identifiers: ClinVar variation 506370 (VCV000506370.13), dbSNP rs112328642, ClinGen allele CA9568832.

ClinVar aggregate classification (germline): Benign/Likely benign. Review status: criteria provided, multiple submitters, no conflicts (2 of 4 stars). 5 submissions from 5 submitters: Benign (4); Likely benign (1). Last evaluated 2026-02-01.

Conditions:
Progressive familial heart block type IB (PFHB1B). Identifiers: Orphanet 871, MedGen C1970298, MONDO:0011474, OMIM 604559.

Allele frequency attached by ClinVar (database versions not stated): gnomAD exomes 0.00227 and 0.00476; gnomAD 0.00356 and 0.00433; TOPMed 0.00383; ESP Exome Variant Server 0.00438; ExAC 0.00565; 1000 Genomes Project 0.00938; 1000 Genomes Project 30x 0.00953.
gnomAD v4.1: 3,995 of 1,614,032 alleles (0.25%); highest among the groups gnomAD compares: South Asian, 3.1%; 90 homozygotes.

Submissions (5):

Labcorp Genetics (formerly Invitae), Labcorp
Classification: Benign for Progressive familial heart block type IB. Last evaluated: 2026-02-01. Review status: criteria provided, single submitter. Criteria: Invitae Variant Classification Sherloc (09022015). Collection method: clinical testing. Allele origin: germline.

Women's Health and Genetics/Laboratory Corporation of America, LabCorp
Classification: Benign. Last evaluated: 2024-06-09. Review status: criteria provided, single submitter. Criteria: LabCorp Variant Classification Summary - May 2015. Collection method: clinical testing. Allele origin: germline.

ARUP Laboratories, Molecular Genetics and Genomics, ARUP Laboratories
Classification: Benign. Last evaluated: 2023-11-01. Review status: criteria provided, single submitter. Criteria: ARUP Molecular Germline Variant Investigation Process 2024. Collection method: clinical testing. Allele origin: germline.

Illumina Laboratory Services, Illumina
Classification: Likely benign for Progressive familial heart block type IB. Last evaluated: 2018-01-13. Review status: criteria provided, single submitter. Criteria: ICSL Variant Classification Criteria 13 December 2019. Collection method: clinical testing. Allele origin: germline.
Comment: This variant was observed in the ICSL laboratory as part of a predisposition screen in an ostensibly healthy population. It had not been previously curated by ICSL or reported in the Human Gene Mutation Database (HGMD: prior to June 1st, 2018), and was therefore a candidate for classification through an automated scoring system. Utilizing variant allele frequency, disease prevalence and penetrance estimates, and inheritance mode, an automated score was calculated to assess if this variant is too frequent to cause the disease. Based on the score and internal cut-off values, a variant classified as likely benign is not then subjected to further curation. The score for this variant resulted in a classification of likely benign for this disease.

GeneDx
Classification: Benign. Last evaluated: 2017-04-25. Review status: criteria provided, single submitter. Criteria: GeneDx Variant Classification (06012015). Collection method: clinical testing. Allele origin: germline. Affected: yes.
Comment: This variant is considered likely benign or benign based on one or more of the following criteria: it is a conservative change, it occurs at a poorly conserved position in the protein, it is predicted to be benign by multiple in silico algorithms, and/or has population frequency not consistent with disease.